The following is an entry in ClinVar:

ClinVar aggregate classification (germline): Uncertain significance (1 of 4 stars; one submission).

Submission:

GeneDx
Classification: Uncertain significance. Last evaluated: 2023-04-21. Review status: criteria provided, single submitter. Criteria: GeneDx Variant Classification Process June 2021. Collection method: clinical testing. Allele origin: germline. Affected: yes.
Comment: Not observed at significant frequency in large population cohorts (gnomAD); In silico analysis supports that this missense variant has a deleterious effect on protein structure/function; Has not been previously published as pathogenic or benign to our knowledge

NM_003601.4(SMARCA5):c.2702T>C (p.Met901Thr)

Gene: SMARCA5 (SNF2 related chromatin remodeling ATPase 5; plus strand). Cytogenetic location: 4q31.21.
Variant type: single nucleotide variant.
Coding change: c.2702T>C on transcript NM_003601.4 (MANE Select); coding-DNA position 2702, T replaced by C.
Protein change: p.Met901Thr; replaces methionine 901 with threonine.
Molecular consequence: missense variant.
Genome position (GRCh38, 1-based): chr4:143,547,433, T>C. VCF-style: chr4-143547433-T-C. GRCh37 (hg19) VCF-style: chr4-144468586-T-C.
Other names: short protein forms M901T.
Identifiers: ClinVar variation 2662610 (VCV002662610.1), dbSNP rs2531511712, ClinGen allele CA358344456.
Genomic context (GRCh38, chr4:143,547,433, plus strand): 5'-CAACTTTTACAGCTGTGTTTTGGGAAAGGTGCAACGAGCTCCAGGACATAGAGAAGATTA[T>C]GGCTCAGATTGAAAGGGGAGAGGCGAGAATTCAAAGAAGAATAAGCATCAAGAAAGCACT-3'
Protein context (NP_003592.3, residues 891-911): CNELQDIEKI[Met901Thr]AQIERGEARI